The following is an entry in ClinVar:

ClinVar aggregate classification (germline): Uncertain significance (1 of 4 stars; one submission).

Conditions:
Hereditary cancer-predisposing syndrome. Also called: Neoplastic Syndromes, Hereditary; Tumor predisposition; Hereditary Cancer Syndrome; Hereditary neoplastic syndrome. Identifiers: Orphanet 140162, MedGen C0027672, MeSH D009386, MONDO:0015356.

Submission:

Ambry Genetics
Classification: Uncertain significance for Hereditary cancer-predisposing syndrome. Last evaluated: 2022-08-13. Review status: criteria provided, single submitter. Criteria: Ambry Variant Classification Scheme 2023. Collection method: clinical testing. Allele origin: germline.
Comment: The p.F399L variant (also known as c.1197C>G), located in coding exon 10 of the MRE11A gene, results from a C to G substitution at nucleotide position 1197. The phenylalanine at codon 399 is replaced by leucine, an amino acid with highly similar properties. This amino acid position is conserved. In addition, this alteration is predicted to be tolerated by in silico analysis. Since supporting evidence is limited at this time, the clinical significance of this alteration remains unclear.

NM_005591.4(MRE11):c.1197C>G (p.Phe399Leu)

Gene: MRE11 (MRE11 double strand break repair nuclease; minus strand). Cytogenetic location: 11q21.
Variant type: single nucleotide variant.
Coding change: c.1197C>G on transcript NM_005591.4 (MANE Select); coding-DNA position 1197, C replaced by G.
Protein change: p.Phe399Leu; replaces phenylalanine 399 with leucine.
Molecular consequence: missense variant.
Genome position (GRCh38, 1-based): chr11:94,464,141, G>C on the plus strand (C>G on the coding strand, the complement: MRE11 is on the minus strand). VCF-style: chr11-94464141-G-C. GRCh37 (hg19) VCF-style: chr11-94197307-G-C.
Other names: c.1197C>G, p.Phe399Leu (NM_001330347.2, NM_005590.4); short protein forms F399L.
Identifiers: ClinVar variation 1799959 (VCV001799959.2), dbSNP rs2496426083, ClinGen allele CA382372735.